The following is an entry in ClinVar:

ClinVar aggregate classification (germline): Pathogenic. Review status: reviewed by expert panel (3 of 4 stars). 2 submissions from 2 submitters: Pathogenic (1). 1 of the submissions does not count toward it. Last evaluated 2024-09-10.

Conditions:
RUNX1-related disorder. Also called: RUNX1-related condition.
Hereditary thrombocytopenia and hematologic cancer predisposition syndrome. Identifiers: Orphanet 71290, MedGen CN281654, MONDO:0011071.

Submissions (2):

ClinGen Myeloid Malignancy Variant Curation Expert Panel
Classification: Pathogenic for Hereditary thrombocytopenia and hematologic cancer predisposition syndrome. Last evaluated: 2024-09-10. Review status: reviewed by expert panel. Criteria: ClinGen MyeloMalig ACMG Specifications v2. Collection method: curation. Allele origin: germline. Inheritance: Autosomal dominant inheritance.
Comment: NM_001754.5(RUNX1):c.311del (p.Thr104SerfsTer18)is a frameshift variant which terminates 18 amino acids downstream and is predicted to undergo nonsense-mediated decay (as per the modified RUNX1 PVS1 decision tree) (PVS1). This variant is completely absent from all population databases with at least 20x coverage for RUNX1 (PM2_Supporting). It is a frameshift variant that is downstream of c.98 (PM5_Supporting). In summary, this variant meets the criteria to be classified as pathogenic. ACMG/AMP criteria applied, as specified by the Myeloid Malignancy Variant Curation Expert Panel for RUNX1: PVS1, PM2_Supporting, PM5_Supporting.

PreventionGenetics, part of Exact Sciences
Classification: Likely pathogenic for RUNX1-related condition. Last evaluated: 2022-11-03. Review status: criteria provided, single submitter. Criteria: ACMG Guidelines, 2015. Collection method: clinical testing. Allele origin: germline. Not counted in ClinVar's aggregate classification.
Comment: The RUNX1 c.311delC variant is predicted to result in a frameshift and premature protein termination (p.Thr104Serfs*18). To our knowledge, this variant has not been reported in the literature or in a large population database, indicating this variant is rare. Frameshift variants in RUNX1 are expected to be pathogenic. This variant is interpreted as likely pathogenic.

NM_001754.5(RUNX1):c.311del (p.Thr104fs)

Gene: RUNX1 (RUNX family transcription factor 1; minus strand). Cytogenetic location: 21q22.12.
Variant type: Deletion.
Coding change: c.311del on transcript NM_001754.5 (MANE Select); coding-DNA position 311, one base deleted (C; older notation c.311delC).
Protein change: p.Thr104fs; shifts the reading frame from threonine 104.
Molecular consequence: frameshift variant.
Genome position (GRCh38, 1-based): chr21:34,886,883, G deleted on the plus strand (C on the coding strand, the reverse complement: RUNX1 is on the minus strand). VCF-style (leftmost placement, unchanged base first): chr21-34886882-CG-C. GRCh37 (hg19) VCF-style: chr21-36259179-CG-C.
Other names: NM_001754.5(RUNX1):c.311del; p.Thr104fs; c.230del, p.Thr77fs (NM_001001890.3, NM_001122607.2); short protein forms T104fs, T77fs.
Identifiers: ClinVar variation 2635335 (VCV002635335.2), dbSNP rs2517482498, ClinGen allele CA2695201453.